The following is an entry in ClinVar:

ClinVar aggregate classification (germline): Likely benign. Review status: criteria provided, multiple submitters, no conflicts (2 of 4 stars). 6 submissions from 6 submitters: Likely benign (6). Last evaluated 2025-05-11.

Conditions:
Cardiovascular phenotype. Identifiers: MedGen CN230736.
Arrhythmogenic right ventricular cardiomyopathy (ARVD). Also called: Cardiomyopathy, ARVC; Arrhythmogenic right ventricular dysplasia; Arrhythmogenic cardiomyopathy; Arrhythmogenic Right Ventricular Cardiomyopathy (ARVC). Identifiers: Orphanet 247, MedGen C0349788, MeSH D019571, MONDO:0016587. Disease mechanism: loss of function. Inheritance: Various modes of inheritance.
Cardiomyopathy (CMYO). Also called: Cardiomyopathies. Identifiers: Orphanet 167848, MedGen C0878544, MONDO:0004994, HP:0001638. Inheritance: Various modes of inheritance.
Arrhythmogenic right ventricular dysplasia 10. Also called: Arrhythmogenic right ventricular dysplasia/cardiomyopathy, type 10; Arrhythmogenic Right Ventricular Dysplasia/Cardiomyopathy10; ARRHYTHMOGENIC RIGHT VENTRICULAR DYSPLASIA, FAMILIAL, 10. Identifiers: MedGen C1857777, MONDO:0012434, OMIM 610193.

Allele frequency attached by ClinVar (database versions not stated): ExAC 0.00003; gnomAD exomes 0.00005 and 0.00002; gnomAD 0.00001; TOPMed 0.00001.
gnomAD v4.1: 35 of 1,614,052 alleles (0.0022%); highest among the groups gnomAD compares: South Asian, 0.0099%; no homozygotes.

Submissions (6):

Labcorp Genetics (formerly Invitae), Labcorp
Classification: Likely benign for Arrhythmogenic right ventricular dysplasia 10. Last evaluated: 2025-05-11. Review status: criteria provided, single submitter. Criteria: Invitae Variant Classification Sherloc (09022015). Collection method: clinical testing. Allele origin: germline.

All of Us Research Program, National Institutes of Health
Classification: Likely benign for Arrhythmogenic right ventricular cardiomyopathy. Last evaluated: 2024-09-23. Review status: criteria provided, single submitter. Criteria: ACMG Guidelines, 2015. Collection method: clinical testing. Allele origin: germline. Inheritance: Autosomal dominant inheritance. Observed: 7 variant alleles, 7 heterozygotes.
Comment: This study involves interpretation of variants in research participants for the purpose of population health screening. Participant phenotype was not available at the time of variant classification. Additional details can be found in publication PMID: 35346344, PMCID: PMC8962531

Ambry Genetics
Classification: Likely benign for Cardiovascular phenotype. Last evaluated: 2022-12-25. Review status: criteria provided, single submitter. Criteria: Ambry Variant Classification Scheme 2023. Collection method: clinical testing. Allele origin: germline.

Molecular Diagnostic Laboratory for Inherited Cardiovascular Disease, Montreal Heart Institute
Classification: Likely benign. Last evaluated: 2020-01-31. Review status: criteria provided, single submitter. Criteria: ACMG Guidelines, 2015. Collection method: clinical testing. Allele origin: germline. Affected: yes.

Color Diagnostics, LLC DBA Color Health
Classification: Likely benign for Cardiomyopathy. Last evaluated: 2018-11-27. Review status: criteria provided, single submitter. Criteria: ACMG Guidelines, 2015. Collection method: clinical testing. Allele origin: germline.

GeneDx
Classification: Likely benign. Last evaluated: 2016-03-02. Review status: criteria provided, single submitter. Criteria: GeneDx Variant Classification (06012015). Collection method: clinical testing. Allele origin: germline. Affected: yes.
Comment: This variant is considered likely benign or benign based on one or more of the following criteria: it is a conservative change, it occurs at a poorly conserved position in the protein, it is predicted to be benign by multiple in silico algorithms, and/or has population frequency not consistent with disease.

NM_001943.5(DSG2):c.2751G>A (p.Ala917=)

Genes: DSG2 (desmoglein 2; plus strand), DSG2-AS1 (DSG2 antisense RNA 1; minus strand). Cytogenetic location: 18q12.1.
Variant type: single nucleotide variant.
Coding change: c.2751G>A on transcript NM_001943.5 (MANE Select); coding-DNA position 2751, G replaced by A.
Protein change: p.Ala917=; no amino-acid change (alanine 917 retained).
Molecular consequence: synonymous variant.
Genome position (GRCh38, 1-based): chr18:31,546,137, G>A. VCF-style: chr18-31546137-G-A. GRCh37 (hg19) VCF-style: chr18-29126100-G-A.
Other names: c.2751G>A (LRG_397t1).
Identifiers: ClinVar variation 378899 (VCV000378899.16), dbSNP rs763063602, ClinGen allele CA047116.